The following is an entry in ClinVar:

ClinVar aggregate classification (germline): Uncertain significance. Review status: criteria provided, multiple submitters, no conflicts (2 of 4 stars). 2 submissions from 2 submitters: Uncertain significance (2). Last evaluated 2023-09-07.

Conditions:
Hereditary spastic paraplegia 48. Also called: SPASTIC PARAPLEGIA 48, AUTOSOMAL RECESSIVE; Spastic paraplegia 48. Identifiers: Orphanet 306511, MedGen C3150901, MONDO:0013342, OMIM 613647.

Allele frequency attached by ClinVar (database versions not stated): gnomAD exomes below 0.00001; gnomAD 0.00001; TOPMed 0.00001.

Submissions (2):

Mayo Clinic Laboratories, Mayo Clinic
Classification: Uncertain significance. Last evaluated: 2023-09-07. Review status: criteria provided, single submitter. Criteria: ACMG Guidelines, 2015. Collection method: clinical testing. Allele origin: germline. Observed: 1 variant allele.
Comment: BP4, PM2_moderate

Illumina Laboratory Services, Illumina
Classification: Uncertain significance for Hereditary spastic paraplegia 48. Last evaluated: 2018-01-13. Review status: criteria provided, single submitter. Criteria: ICSL Variant Classification Criteria 13 December 2019. Collection method: clinical testing. Allele origin: germline.

NM_014855.3(AP5Z1):c.394G>A (p.Val132Met)

Gene: AP5Z1 (adaptor related protein complex 5 subunit zeta 1; plus strand). Cytogenetic location: 7p22.1.
Variant type: single nucleotide variant.
Coding change: c.394G>A on transcript NM_014855.3 (MANE Select); coding-DNA position 394, G replaced by A.
Protein change: p.Val132Met; replaces valine 132 with methionine.
Molecular consequence: missense variant. On other transcripts: 5 prime UTR variant (1), non-coding transcript variant (1).
Genome position (GRCh38, 1-based): chr7:4,783,343, G>A. VCF-style: chr7-4783343-G-A. GRCh37 (hg19) VCF-style: chr7-4822974-G-A.
Other names: p.Val132Met; c.394G>A, p.Val132Met (LRG_1247t1); c.-75G>A (NM_001364858.1); short protein forms V132M.
Identifiers: ClinVar variation 360309 (VCV000360309.6), dbSNP rs886062349, ClinGen allele CA10624036.